The following continues an entry in ClinVar:

NM_000051.4(ATM):c.7788+8G>T

ClinVar aggregate classification (germline): Conflicting classifications of pathogenicity. Uncertain significance (1); Benign (10); Likely benign (12).

Submissions 27 to 36 of 36:

Counsyl
Classification: Likely benign for Ataxia-telangiectasia syndrome. Last evaluated: 2017-07-24. Review status: no assertion criteria provided. Collection method: clinical testing. Allele origin: unknown. Not counted in ClinVar's aggregate classification.

Clinical Genetics DNA and cytogenetics Diagnostics Lab, Erasmus MC, Erasmus Medical Center
Classification: Likely benign. Review status: no assertion criteria provided. Collection method: clinical testing. Allele origin: germline. Affected: yes. Study: VKGL Data-share Consensus. Not counted in ClinVar's aggregate classification.

Clinical Genetics Laboratory, Department of Pathology, Netherlands Cancer Institute
Classification: Likely benign. Review status: no assertion criteria provided. Collection method: clinical testing. Allele origin: germline. Affected: yes. Study: VKGL Data-share Consensus. Not counted in ClinVar's aggregate classification.

Clinical Genetics, Academic Medical Center
Classification: Likely benign. Review status: no assertion criteria provided. Collection method: clinical testing. Allele origin: germline. Affected: yes. Study: VKGL Data-share Consensus. Not counted in ClinVar's aggregate classification.

Department of Pathology and Laboratory Medicine, Sinai Health System
Classification: Likely benign for Malignant tumor of breast. Review status: no assertion criteria provided. Collection method: clinical testing. Allele origin: unknown. Affected: yes. Study: The Canadian Open Genetics Repository (COGR). Not counted in ClinVar's aggregate classification.
Comment: ATM, EXON52, c.7788+8G>T, r.(spl)?, Heterozygous, Likely Benign The ATM c.7788+8G>T variant was not identified in the literature nor was it identified in the Cosmic, MutDB, or LOVD 3.0 databases. The variant was identified in the following databases: dbSNP (ID: rs112775908) as â€šÃ„ÃºWith other alleleâ€šÃ„Ã¹, ClinVar (as likely benign by ARUP Laboratories and PreventionGenetics, and as benign by GeneDx and Invitae), Clinvitae (as likely benign and benign). The variant was identified in control databases in 404 of 276410 chromosomes (1 homozygous) at a frequency of 0.001462 increasing the likelihood this could be a low frequency benign variant (Genome Aggregation Database Feb 27, 2017). Observations by population include African in 7 of 24012 chromosomes (freq: 0.000292), Other in 4 of 6446 chromosomes (freq: 0.000621), Latino in 18 of 34394 chromosomes (freq: 0.000523), European (Non-Finnish) in 355 (1 homozygous) of 126082 chromosomes (freq: 0.002816), Ashkenazi Jewish in 11 of 10126 chromosomes (freq: 0.001086), and European (Finnish) in 9 of 25766 chromosomes (freq: 0.000349), while the variant was not observed in the East Asian and South Asian populations. The variant occurs outside of the splicing consensus sequence and in silico or computational prediction software programs (SpliceSiteFinder, MaxEntScan, NNSPLICE, GeneSplicer, HumanSpliceFinder) do not predict a difference in splicing. In summary, based on the above information the clinical significance of this variant cannot be determined with certainty at this time although we would lean towards a more benign role for this variant. This variant is classified as likely benign.

Diagnostic Laboratory, Department of Genetics, University Medical Center Groningen
Classification: Likely benign. Review status: no assertion criteria provided. Collection method: clinical testing. Allele origin: germline. Affected: yes. Study: VKGL Data-share Consensus. Not counted in ClinVar's aggregate classification.

Genome Diagnostics Laboratory, Amsterdam University Medical Center
Classification: Likely benign. Review status: no assertion criteria provided. Collection method: clinical testing. Allele origin: germline. Affected: yes. Study: VKGL Data-share Consensus. Not counted in ClinVar's aggregate classification.

Genome Diagnostics Laboratory, University Medical Center Utrecht
Classification: Likely benign. Review status: no assertion criteria provided. Collection method: clinical testing. Allele origin: germline. Affected: yes. Study: VKGL Data-share Consensus. Not counted in ClinVar's aggregate classification.

Joint Genome Diagnostic Labs from Nijmegen and Maastricht, Radboudumc and MUMC+
Classification: Likely benign. Review status: no assertion criteria provided. Collection method: clinical testing. Allele origin: germline. Affected: yes. Study: VKGL Data-share Consensus. Not counted in ClinVar's aggregate classification.

Laboratory of Diagnostic Genome Analysis, Leiden University Medical Center (LUMC)
Classification: Likely benign. Review status: no assertion criteria provided. Collection method: clinical testing. Allele origin: germline. Affected: yes. Study: VKGL Data-share Consensus. Not counted in ClinVar's aggregate classification.

Literature cited by the submitters: PubMed 25085752 (cited by Myriad Genetics, Inc.); PubMed 16631465 (cited by 3 submitters); PubMed 28652578 (cited by Quest Diagnostics Nichols Institute San Juan Capistrano and Athena Diagnostics); PubMed 11505391 (cited by 3 submitters); PubMed 21933854 (cited by 4 submitters); PubMed 34299313 (cited by Quest Diagnostics Nichols Institute San Juan Capistrano).